The following is an entry in ClinVar:

NM_021076.4(NEFH):c.1925C>T (p.Thr642Met)

Gene: NEFH (neurofilament heavy chain; plus strand). Cytogenetic location: 22q12.2.
Variant type: single nucleotide variant.
Coding change: c.1925C>T on transcript NM_021076.4 (MANE Select); coding-DNA position 1925, C replaced by T.
Protein change: p.Thr642Met; replaces threonine 642 with methionine.
Molecular consequence: missense variant.
Genome position (GRCh38, 1-based): chr22:29,489,565, C>T. VCF-style: chr22-29489565-C-T. GRCh37 (hg19) VCF-style: chr22-29885554-C-T.
Other names: p.Thr642Met; c.1925C>T (NM_021076.3); short protein forms T642M.
Identifiers: ClinVar variation 1596180 (VCV001596180.11), dbSNP rs117258406, ClinGen allele CA10174297.

ClinVar aggregate classification (germline): Conflicting classifications of pathogenicity. Review status: criteria provided, conflicting classifications (1 of 4 stars). 4 submissions from 4 submitters: Uncertain significance (1); Benign (2). 1 of the submissions does not count toward it. Last evaluated 2026-01-15.

Conditions:
NEFH-related disorder. Also called: NEFH-related condition.

Allele frequency attached by ClinVar (database versions not stated): ESP Exome Variant Server 0.00008; gnomAD exomes 0.00013 and 0.00054; gnomAD 0.00026 and 0.00038; TOPMed 0.00046; ExAC 0.00088; 1000 Genomes Project 0.00359; 1000 Genomes Project 30x 0.00359.

Submissions (4):

Labcorp Genetics (formerly Invitae), Labcorp
Classification: Benign. Last evaluated: 2026-01-15. Review status: criteria provided, single submitter. Criteria: Invitae Variant Classification Sherloc (09022015). Collection method: clinical testing. Allele origin: germline.

Mayo Clinic Laboratories, Mayo Clinic
Classification: Benign. Last evaluated: 2024-10-10. Review status: criteria provided, single submitter. Criteria: ACMG Guidelines, 2015. Collection method: clinical testing. Allele origin: germline. Observed: 1 variant allele.
Comment: BS1, BS2

Blueprint Genetics
Classification: Uncertain significance. Last evaluated: 2024-09-18. Review status: criteria provided, single submitter. Criteria: ACMG Guidelines, 2015. Collection method: clinical testing. Allele origin: germline.

PreventionGenetics, part of Exact Sciences
Classification: Likely benign for NEFH-related condition. Last evaluated: 2024-06-14. Review status: no assertion criteria provided. Collection method: clinical testing. Allele origin: germline. Not counted in ClinVar's aggregate classification.
Comment: This variant is classified as likely benign based on ACMG/AMP sequence variant interpretation guidelines (Richards et al. 2015 PMID: 25741868, with internal and published modifications).

Literature cited by the submitters: PubMed 29411640 (cited by Mayo Clinic Laboratories, Mayo Clinic); PubMed 32166880 (cited by Mayo Clinic Laboratories, Mayo Clinic); PubMed 36600740 (cited by Mayo Clinic Laboratories, Mayo Clinic); PubMed 37952009 (cited by Mayo Clinic Laboratories, Mayo Clinic).